The following is an entry in ClinVar:

NM_000384.3(APOB):c.6070A>G (p.Ile2024Val)

Gene: APOB (apolipoprotein B; minus strand). Cytogenetic location: 2p24.1.
Variant type: single nucleotide variant.
Coding change: c.6070A>G on transcript NM_000384.3 (MANE Select); coding-DNA position 6070, A replaced by G.
Protein change: p.Ile2024Val; replaces isoleucine 2024 with valine.
Molecular consequence: missense variant.
Genome position (GRCh38, 1-based): chr2:21,010,798, T>C on the plus strand (A>G on the coding strand, the complement: APOB is on the minus strand). VCF-style: chr2-21010798-T-C. GRCh37 (hg19) VCF-style: chr2-21233670-T-C.
Other names: short protein forms I2024V.
Identifiers: ClinVar variation 477812 (VCV000477812.58), dbSNP rs564588440, ClinGen allele CA062834.

ClinVar aggregate classification (germline): Conflicting classifications of pathogenicity. Review status: criteria provided, conflicting classifications (1 of 4 stars). 6 submissions from 5 submitters: Uncertain significance (5); Likely benign (1). Last evaluated 2025-05-06.

Conditions:
Cardiovascular phenotype. Identifiers: MedGen CN230736.
Hypercholesterolemia, autosomal dominant, type B (FHCL2). Also called: APOB-Related Familial Hypercholesterolemia, Autosomal Dominant; Familial Hypercholesterolemia Type B; Familial hypercholesterolemia 2; Hyperlipoproteinemia Type IIb; APOLIPOPROTEIN B-100, FAMILIAL DEFECTIVE; APOLIPOPROTEIN B-100, FAMILIAL LIGAND-DEFECTIVE. Identifiers: MedGen C1704417, MONDO:0007751, OMIM 144010.
Familial hypobetalipoproteinemia 1. Also called: APOB-Related Familial Hypobetalipoproteinemia; Hypobetalipoproteinemia, normotriglyceridemic; Acanthocytosis with hypobetalipoproteinemia. Identifiers: MedGen C4551990, MONDO:0014252, OMIM 615558.

Allele frequency attached by ClinVar (database versions not stated): gnomAD 0.00002 and 0.00003; gnomAD exomes 0.00002 and 0.00004; ExAC 0.00005; TOPMed 0.00005.
gnomAD v4.1: 31 of 1,614,012 alleles (0.0019%); highest among the groups gnomAD compares: East Asian, 0.0045%; 1 homozygote.

Submissions (6):

Labcorp Genetics (formerly Invitae), Labcorp
Classification: Likely benign for Familial hypobetalipoproteinemia 1; Hypercholesterolemia, autosomal dominant, type B. Last evaluated: 2025-05-06. Review status: criteria provided, single submitter. Criteria: Invitae Variant Classification Sherloc (09022015). Collection method: clinical testing. Allele origin: germline.

CeGaT Center for Human Genetics Tuebingen
Classification: Uncertain significance. Last evaluated: 2022-05-01. Review status: criteria provided, single submitter. Criteria: CeGaT Center For Human Genetics Tuebingen Variant Classification Criteria Version 2. Collection method: clinical testing. Allele origin: germline. Affected: yes. Observed: 2 variant alleles.

Ambry Genetics
Classification: Uncertain significance for Cardiovascular phenotype. Last evaluated: 2022-03-09. Review status: criteria provided, single submitter. Criteria: Ambry Variant Classification Scheme 2023. Collection method: clinical testing. Allele origin: germline.
Comment: The p.I2024V variant (also known as c.6070A>G), located in coding exon 26 of the APOB gene, results from an A to G substitution at nucleotide position 6070. The isoleucine at codon 2024 is replaced by valine, an amino acid with highly similar properties. This amino acid position is conserved. In addition, this alteration is predicted to be tolerated by in silico analysis. Since supporting evidence is limited at this time, the clinical significance of this alteration remains unclear.

Molecular Diagnostic Laboratory for Inherited Cardiovascular Disease, Montreal Heart Institute
Classification: Uncertain significance. Last evaluated: 2020-03-20. Review status: criteria provided, single submitter. Criteria: ACMG Guidelines, 2015. Collection method: clinical testing. Allele origin: germline. Affected: yes.

Illumina Laboratory Services, Illumina
Classification: Uncertain significance for Familial hypobetalipoproteinemia 1. Last evaluated: 2018-01-13. Review status: criteria provided, single submitter. Criteria: ICSL Variant Classification Criteria 13 December 2019. Collection method: clinical testing. Allele origin: germline.

Illumina Laboratory Services, Illumina
Classification: Uncertain significance for Hypercholesterolemia, autosomal dominant, type B. Last evaluated: 2018-01-13. Review status: criteria provided, single submitter. Criteria: ICSL Variant Classification Criteria 13 December 2019. Collection method: clinical testing. Allele origin: germline.